The following is an entry in ClinVar:

NM_147127.5(EVC2):c.1926G>T (p.Leu642Phe)

Gene: EVC2 (EvC ciliary complex subunit 2; minus strand). Cytogenetic location: 4p16.2.
Variant type: single nucleotide variant.
Coding change: c.1926G>T on transcript NM_147127.5 (MANE Select); coding-DNA position 1926, G replaced by T.
Protein change: p.Leu642Phe; replaces leucine 642 with phenylalanine.
Molecular consequence: missense variant.
Genome position (GRCh38, 1-based): chr4:5,625,869, C>A on the plus strand (G>T on the coding strand, the complement: EVC2 is on the minus strand). VCF-style: chr4-5625869-C-A. GRCh37 (hg19) VCF-style: chr4-5627596-C-A.
Other names: c.1686G>T, p.Leu562Phe (NM_001166136.2); short protein forms L562F, L642F.
Identifiers: ClinVar variation 1516470 (VCV001516470.9), dbSNP rs2108843340, ClinGen allele CA356146127.
Genomic context (GRCh38, chr4:5,625,869, plus strand): 5'-CTGCTTTAAGTCATTGTCCAACTTCTGCTTGATTGAAAAGACTTCTGTCTGAGCCCGCTC[C>A]AATAGCATTTCCATTTGGTCTTCATCCAGGTACCCTGCTCTAGATGGAAAGGATGTAAAG-3'
Protein context (NP_667338.3, residues 632-652): YLDEDQMEML[Leu642Phe]ERAQTEVFSI

ClinVar aggregate classification (germline): Uncertain significance (1 of 4 stars; one submission).

Conditions:
Curry-Hall syndrome (WAD). Also called: WEYERS ACRODENTAL DYSOSTOSIS. Identifiers: Orphanet 952, MedGen C0457013, MONDO:0008673, OMIM 193530.
Ellis-van Creveld syndrome (EVC). Also called: Chondroectodermal dysplasia; EVC-Related Ellis-van Creveld Syndrome; EVC2-Related Ellis-van Creveld Syndrome; MESOECTODERMAL DYSPLASIA. Identifiers: Orphanet 289, MedGen C0013903, MONDO:0009162, OMIM 225500.

Submission:

Labcorp Genetics (formerly Invitae), Labcorp
Classification: Uncertain significance for Curry-Hall syndrome; Ellis-van Creveld syndrome. Last evaluated: 2022-10-13. Review status: criteria provided, single submitter. Criteria: Invitae Variant Classification Sherloc (09022015). Collection method: clinical testing. Allele origin: germline.
Comment: In summary, the available evidence is currently insufficient to determine the role of this variant in disease. Therefore, it has been classified as a Variant of Uncertain Significance. Algorithms developed to predict the effect of missense changes on protein structure and function are either unavailable or do not agree on the potential impact of this missense change (SIFT: "Deleterious"; PolyPhen-2: "Probably Damaging"; Align-GVGD: "Class C0"). ClinVar contains an entry for this variant (Variation ID: 1516470). This variant has not been reported in the literature in individuals affected with EVC2-related conditions. This variant is not present in population databases (gnomAD no frequency). This sequence change replaces leucine, which is neutral and non-polar, with phenylalanine, which is neutral and non-polar, at codon 642 of the EVC2 protein (p.Leu642Phe).